The following is an entry in ClinVar:

NM_001197104.2(KMT2A):c.5196dup (p.Ile1733fs)

Gene: KMT2A (lysine methyltransferase 2A; plus strand). Cytogenetic location: 11q23.3.
Variant type: Duplication.
Coding change: c.5196dup on transcript NM_001197104.2 (MANE Select); coding-DNA position 5196, one base duplicated (T; older notation c.5196dupT).
Protein change: p.Ile1733fs; shifts the reading frame from isoleucine 1733.
Molecular consequence: frameshift variant.
Genome position (GRCh38, 1-based): chr11:118,494,305, T duplicated. VCF-style (leftmost placement, unchanged base first): chr11-118494304-A-AT. GRCh37 (hg19) VCF-style: chr11-118365019-A-AT.
Other names: c.5187dup, p.Ile1730fs (NM_005933.4); short protein forms I1733fs, I1730fs.
Identifiers: ClinVar variation 817412 (VCV000817412.1), dbSNP rs1591269240, ClinGen allele CA915947778.

ClinVar aggregate classification (germline): Pathogenic (1 of 4 stars; one submission).

Submission:

GeneDx
Classification: Pathogenic. Last evaluated: 2019-02-01. Review status: criteria provided, single submitter. Criteria: GeneDx Variant Classification (06012015). Collection method: clinical testing. Allele origin: germline. Affected: yes.
Comment: The c.5196dupT variant in the KMT2A gene has not been reported previously as a pathogenic variant nor as a benign variant, to our knowledge. The c.5196dupT variant causes a frameshift starting with codon Isoleucine 1733, changes this amino acid to a Tyrosine residue, and creates a premature Stop codon at position 10 of the new reading frame, denoted p.Ile1733TyrfsX10. This variant is predicted to cause loss of normal protein function either through protein truncation or nonsense-mediated mRNA decay. The c.5196dupT variant is not observed in large population cohorts (Lek et al., 2016). We interpret c.5196dupT as a pathogenic variant.